The following is an entry in ClinVar:

ClinVar aggregate classification (germline): Pathogenic/Likely pathogenic. Review status: criteria provided, multiple submitters, no conflicts (2 of 4 stars). 3 submissions from 3 submitters: Pathogenic (2); Likely pathogenic (1). Last evaluated 2024-02-01.

Conditions:
Renal carnitine transport defect (CDSP). Also called: Carnitine transporter deficiency; Carnitine Deficiency, Systemic; Primary carnitine deficiency; Systemic primary carnitine deficiency; Systemic primary carnitine deficiency disease; CARNITINE DEFICIENCY, SYSTEMIC, DUE TO DEFECT IN RENAL REABSORPTION OF CARNITINE. Identifiers: Orphanet 158, MedGen C0342788, MONDO:0008919, OMIM 212140.

Allele frequency attached by ClinVar (database versions not stated): gnomAD 0.00001; TOPMed 0.00001; ESP Exome Variant Server 0.00008.
gnomAD v4.1: 2 of 1,613,926 alleles (0.00012%); highest among the groups gnomAD compares: African/African-American, 0.0027%; no homozygotes.

Submissions (3):

Fulgent Genetics
Classification: Likely pathogenic for Renal carnitine transport defect. Last evaluated: 2024-02-01. Review status: criteria provided, single submitter. Criteria: ACMG Guidelines, 2015. Collection method: clinical testing. Allele origin: germline.

Labcorp Genetics (formerly Invitae), Labcorp
Classification: Pathogenic for Renal carnitine transport defect. Last evaluated: 2023-12-09. Review status: criteria provided, single submitter. Criteria: Invitae Variant Classification Sherloc (09022015). Collection method: clinical testing. Allele origin: germline.
Comment: This sequence change affects an acceptor splice site in intron 1 of the SLC22A5 gene. It is expected to disrupt RNA splicing. Variants that disrupt the donor or acceptor splice site typically lead to a loss of protein function (PMID: 16199547), and loss-of-function variants in SLC22A5 are known to be pathogenic (PMID: 9916797). This variant is present in population databases (rs377724489, gnomAD 0.01%). Disruption of this splice site has been observed in individual(s) with primary carnitine deficiency (PMID: 31737040, 31813139). ClinVar contains an entry for this variant (Variation ID: 167697). Algorithms developed to predict the effect of sequence changes on RNA splicing suggest that this variant may disrupt the consensus splice site. For these reasons, this variant has been classified as Pathogenic.

Eurofins Ntd Llc (ga)
Classification: Pathogenic. Last evaluated: 2014-05-05. Review status: criteria provided, single submitter. Criteria: EGL Classification Definitions 2015. Collection method: clinical testing. Allele origin: germline. Observed: 1 variant allele, 1 heterozygote.

Literature cited by the submitters: PubMed 16199547 (cited by Labcorp Genetics (formerly Invitae), Labcorp); PubMed 9916797 (cited by Labcorp Genetics (formerly Invitae), Labcorp); PubMed 31737040 (cited by Labcorp Genetics (formerly Invitae), Labcorp); PubMed 31813139 (cited by Labcorp Genetics (formerly Invitae), Labcorp).

NM_003060.4(SLC22A5):c.394-2A>C

Gene: SLC22A5 (solute carrier family 22 member 5; plus strand). Cytogenetic location: 5q31.1.
Variant type: single nucleotide variant.
Coding change: c.394-2A>C on transcript NM_003060.4 (MANE Select); the canonical splice acceptor site of the intron before coding-DNA position 394, A replaced by C.
Molecular consequence: splice acceptor variant.
Genome position (GRCh38, 1-based): chr5:132,378,376, A>C. VCF-style: chr5-132378376-A-C. GRCh37 (hg19) VCF-style: chr5-131714068-A-C.
Other names: c.466-2A>C (NM_001308122.2).
Identifiers: ClinVar variation 167697 (VCV000167697.12), dbSNP rs377724489, ClinGen allele CA346123.